The following is an entry in ClinVar:

ClinVar aggregate classification (germline): Uncertain significance (1 of 4 stars; one submission).

Conditions:
Brugada syndrome. Also called: Sudden unexpected nocturnal death syndrome; Sudden unexplained nocturnal death syndrome; Sudden Unexplained Nocturnal Death Syndrome (SUNDS); Sudden Unexplained Death Syndrome. Identifiers: Orphanet 130, MedGen C1142166, MONDO:0015263.

Allele frequency attached by ClinVar (database versions not stated): gnomAD exomes below 0.00001.

Submission:

Labcorp Genetics (formerly Invitae), Labcorp
Classification: Uncertain significance for Brugada syndrome. Last evaluated: 2022-08-20. Review status: criteria provided, single submitter. Criteria: Invitae Variant Classification Sherloc (09022015). Collection method: clinical testing. Allele origin: germline.
Comment: In summary, the available evidence is currently insufficient to determine the role of this variant in disease. Therefore, it has been classified as a Variant of Uncertain Significance. Algorithms developed to predict the effect of missense changes on protein structure and function are either unavailable or do not agree on the potential impact of this missense change (SIFT: "Deleterious"; PolyPhen-2: "Probably Damaging"; Align-GVGD: "Class C0"). This variant has not been reported in the literature in individuals affected with SLMAP-related conditions. This variant is not present in population databases (gnomAD no frequency). This sequence change replaces aspartic acid, which is acidic and polar, with asparagine, which is neutral and polar, at codon 443 of the SLMAP protein (p.Asp443Asn).

NM_001377540.1(SLMAP):c.1429G>A (p.Asp477Asn)

Gene: SLMAP (sarcolemma associated protein; plus strand). Cytogenetic location: 3p14.3.
Variant type: single nucleotide variant.
Coding change: c.1429G>A on transcript NM_001377540.1 (MANE Select); coding-DNA position 1429, G replaced by A.
Protein change: p.Asp477Asn; replaces aspartic acid 477 with asparagine.
Molecular consequence: missense variant. On other transcripts: 5 prime UTR variant (7), non-coding transcript variant (1).
Genome position (GRCh38, 1-based): chr3:57,896,579, G>A. VCF-style: chr3-57896579-G-A. GRCh37 (hg19) VCF-style: chr3-57882306-G-A.
Other names: c.1378G>A, p.Asp460Asn (NM_001304420.3, NM_001377541.1, NM_001377542.1 and 2 more transcripts); c.1264G>A, p.Asp422Asn (NM_001304421.2, NM_001377557.1, NM_001377559.1 and 1 more transcripts); c.-21G>A (NM_001304422.3, NM_001304423.3, NM_001311178.2 and 4 more transcripts); c.1429G>A, p.Asp477Asn (NM_001377538.1, NM_001377539.1, NM_001377555.1); c.1366G>A, p.Asp456Asn (NM_001377545.1, NM_001377922.1); c.1327G>A, p.Asp443Asn (NM_001377549.1, NM_001377923.1, NM_007159.5); c.1315G>A, p.Asp439Asn (NM_001377551.1, NM_001377552.1, NM_001377924.1); short protein forms D422N, D443N, D460N, D439N, D456N, D477N.
Identifiers: ClinVar variation 1928590 (VCV001928590.5), dbSNP rs2474771922, ClinGen allele CA353412156.